The following is an entry in ClinVar:

ClinVar aggregate classification (germline): Uncertain significance (1 of 4 stars; one submission).

Conditions:
Baller-Gerold syndrome (BGS). Also called: CRANIOSYNOSTOSIS WITH RADIAL DEFECTS. Identifiers: Orphanet 1225, MedGen C0265308, MONDO:0009039, OMIM 218600.

Submission:

Labcorp Genetics (formerly Invitae), Labcorp
Classification: Uncertain significance for Baller-Gerold syndrome. Last evaluated: 2018-12-28. Review status: criteria provided, single submitter. Criteria: Invitae Variant Classification Sherloc (09022015). Collection method: clinical testing. Allele origin: germline.
Comment: This variant has not been reported in the literature in individuals with RECQL4-related conditions. In summary, the available evidence is currently insufficient to determine the role of this variant in disease. Therefore, it has been classified as a Variant of Uncertain Significance. Algorithms developed to predict the effect of missense changes on protein structure and function are either unavailable or do not agree on the potential impact of this missense change (SIFT: "Deleterious"; PolyPhen-2: Not Available; Align-GVGD: "Class C0"). This variant is not present in population databases (ExAC no frequency). This sequence change replaces serine with tryptophan at codon 286 of the RECQL4 protein (p.Ser286Trp). The serine residue is weakly conserved and there is a large physicochemical difference between serine and tryptophan.

NM_004260.4(RECQL4):c.857C>G (p.Ser286Trp)

Gene: RECQL4 (RecQ like helicase 4; minus strand). Cytogenetic location: 8q24.3.
Variant type: single nucleotide variant.
Coding change: c.857C>G on transcript NM_004260.4 (MANE Select); coding-DNA position 857, C replaced by G.
Protein change: p.Ser286Trp; replaces serine 286 with tryptophan.
Molecular consequence: missense variant.
Genome position (GRCh38, 1-based): chr8:144,516,262, G>C on the plus strand (C>G on the coding strand, the complement: RECQL4 is on the minus strand). VCF-style: chr8-144516262-G-C. GRCh37 (hg19) VCF-style: chr8-145741646-G-C.
Other names: short protein forms S286W.
Identifiers: ClinVar variation 644526 (VCV000644526.4), dbSNP rs757320755, ClinGen allele CA372688923.